The following is an entry in ClinVar:

NM_000465.4(BARD1):c.2140A>T (p.Thr714Ser)

Gene: BARD1 (BRCA1 associated RING domain 1; minus strand). Cytogenetic location: 2q35.
Variant type: single nucleotide variant.
Coding change: c.2140A>T on transcript NM_000465.4 (MANE Select); coding-DNA position 2140, A replaced by T.
Protein change: p.Thr714Ser; replaces threonine 714 with serine.
Molecular consequence: missense variant. On other transcripts: non-coding transcript variant (3).
Genome position (GRCh38, 1-based): chr2:214,728,870, T>A on the plus strand (A>T on the coding strand, the complement: BARD1 is on the minus strand). VCF-style: chr2-214728870-T-A. GRCh37 (hg19) VCF-style: chr2-215593594-T-A.
Other names: c.2083A>T, p.Thr695Ser (NM_001282543.2); c.787A>T, p.Thr263Ser (NM_001282545.2); c.730A>T, p.Thr244Ser (NM_001282548.2); c.601A>T, p.Thr201Ser (NM_001282549.2); short protein forms T201S, T244S, T695S, T263S, T714S.
Identifiers: ClinVar variation 3479713 (VCV003479713.1).
Genomic context (GRCh38, chr2:214,728,870, plus strand): 5'-TGCAGAAGCGCTGATCAGAATCGGGTCTCGCATGGTATGCGACTGTATTGATGGTCTGAG[T>A]CACGTCACTGTCTGGCTTGGGCTTTCTACTGAGGATCTGGCCCCCACCTGCAGTGACGAG-3'
Protein context (NP_000456.2, residues 704-724): SRKPKPDSDV[Thr714Ser]QTINTVAYHA

ClinVar aggregate classification (germline): Uncertain significance (1 of 4 stars; one submission).

Conditions:
Hereditary cancer-predisposing syndrome. Also called: Tumor predisposition; Neoplastic Syndromes, Hereditary; Hereditary neoplastic syndrome; Hereditary Cancer Syndrome. Identifiers: Orphanet 140162, MedGen C0027672, MeSH D009386, MONDO:0015356.

Submission:

Ambry Genetics
Classification: Uncertain significance for Hereditary cancer-predisposing syndrome. Last evaluated: 2024-08-18. Review status: criteria provided, single submitter. Criteria: Ambry Variant Classification Scheme 2023. Collection method: clinical testing. Allele origin: germline.
Comment: The p.T714S variant (also known as c.2140A>T), located in coding exon 11 of the BARD1 gene, results from an A to T substitution at nucleotide position 2140. The threonine at codon 714 is replaced by serine, an amino acid with similar properties. This amino acid position is conserved. In addition, this alteration is predicted to be tolerated by in silico analysis. Based on the available evidence, the clinical significance of this variant remains unclear.